The following is an entry in ClinVar:

NM_000256.3(MYBPC3):c.1393G>A (p.Val465Met)

Gene: MYBPC3 (myosin binding protein C3; minus strand). Cytogenetic location: 11p11.2.
Variant type: single nucleotide variant.
Coding change: c.1393G>A on transcript NM_000256.3 (MANE Select); coding-DNA position 1393, G replaced by A.
Protein change: p.Val465Met; replaces valine 465 with methionine.
Molecular consequence: missense variant.
Genome position (GRCh38, 1-based): chr11:47,342,894, C>T on the plus strand (G>A on the coding strand, the complement: MYBPC3 is on the minus strand). VCF-style: chr11-47342894-C-T. GRCh37 (hg19) VCF-style: chr11-47364445-C-T.
Other names: short protein forms V465M.
Identifiers: ClinVar variation 3073599 (VCV003073599.1), dbSNP rs2095890438, ClinGen allele CA380326119.

ClinVar aggregate classification (germline): Uncertain significance (1 of 4 stars; one submission).

Conditions:
Hypertrophic cardiomyopathy. Also called: HYPERTROPHIC MYOCARDIOPATHY. Identifiers: Orphanet 217569, MedGen C0007194, MeSH D002312, MONDO:0005045, HP:0001639.

Submission:

All of Us Research Program, National Institutes of Health
Classification: Uncertain significance for Hypertrophic cardiomyopathy. Last evaluated: 2023-10-02. Review status: criteria provided, single submitter. Criteria: ACMG Guidelines, 2015. Collection method: clinical testing. Allele origin: germline. Inheritance: Autosomal dominant inheritance. Observed: 1 variant allele, 1 heterozygote.
Comment: This missense variant replaces valine with methionine at codon 465 of the MYBPC3 protein. Computational prediction is inconclusive regarding the impact of this variant on protein structure and function (internally defined REVEL score threshold 0.5 < inconclusive < 0.7, PMID: 27666373). To our knowledge, functional studies have not been reported for this variant. This variant has not been reported in individuals affected with MYBPC3-related disorders in the literature. This variant has not been identified in the general population by the Genome Aggregation Database (gnomAD). The available evidence is insufficient to determine the role of this variant in disease conclusively. Therefore, this variant is classified as a Variant of Uncertain Significance.

This study involves interpretation of variants in research participants for the purpose of population health screening. Participant phenotype was not available at the time of variant classification. Additional details can be found in publication PMID: 35346344, PMCID: PMC8962531